The following is an entry in ClinVar:

NM_032531.4(KIRREL3):c.198G>A (p.Thr66=)

Gene: KIRREL3 (kirre like nephrin family adhesion molecule 3; minus strand). Cytogenetic location: 11q24.2.
Variant type: single nucleotide variant.
Coding change: c.198G>A on transcript NM_032531.4 (MANE Select); coding-DNA position 198, G replaced by A.
Protein change: p.Thr66=; no amino-acid change (threonine 66 retained).
Molecular consequence: synonymous variant.
Genome position (GRCh38, 1-based): chr11:126,526,623, C>T on the plus strand (G>A on the coding strand, the complement: KIRREL3 is on the minus strand). VCF-style: chr11-126526623-C-T. GRCh37 (hg19) VCF-style: chr11-126396518-C-T.
Other names: c.198G>A, p.Thr66= (NM_001161707.2, NM_001301097.2).
Identifiers: ClinVar variation 3039937 (VCV003039937.2), dbSNP rs776767535, ClinGen allele CA6356301.

ClinVar aggregate classification (germline): Likely benign (0 of 4 stars; one submission).

Conditions:
KIRREL3-related disorder. Also called: KIRREL3-related condition.

Allele frequency attached by ClinVar (database versions not stated): gnomAD 0.00002; ExAC 0.00002; TOPMed 0.00002.
gnomAD v4.1: 16 of 1,600,514 alleles (0.001%); highest among the groups gnomAD compares: Admixed American, 0.0086%; no homozygotes.

Submission:

PreventionGenetics, part of Exact Sciences
Classification: Likely benign for KIRREL3-related condition. Last evaluated: 2019-09-10. Review status: no assertion criteria provided. Collection method: clinical testing. Allele origin: germline.
Comment: This variant is classified as likely benign based on ACMG/AMP sequence variant interpretation guidelines (Richards et al. 2015 PMID: 25741868, with internal and published modifications).